The following is an entry in ClinVar:

ClinVar aggregate classification (germline): Likely pathogenic. Review status: criteria provided, multiple submitters, no conflicts (2 of 4 stars). 2 submissions from 2 submitters: Likely pathogenic (2). Last evaluated 2025-02-21.

Conditions:
Leukocyte adhesion deficiency 1 (LAD1). Also called: LEUKOCYTE ADHESION DEFICIENCY, TYPE I; LAD 1; Lymphocyte function-associated antigen 1 immunodeficiency; LFA 1 immunodeficiency. Identifiers: Orphanet 2968, Orphanet 99842, MedGen C0398738, MONDO:0007293, OMIM 116920.

Allele frequency attached by ClinVar (database versions not stated): gnomAD 0.00001; TOPMed 0.00001; gnomAD exomes 0.00002; ExAC 0.00003; ESP Exome Variant Server 0.00015.
gnomAD v4.1: 7 of 1,613,934 alleles (0.00043%); highest among the groups gnomAD compares: African/African-American, 0.0013%; no homozygotes.

Submissions (2):

Labcorp Genetics (formerly Invitae), Labcorp
Classification: Likely pathogenic for Leukocyte adhesion deficiency 1. Last evaluated: 2025-02-21. Review status: criteria provided, single submitter. Criteria: Invitae Variant Classification Sherloc (09022015). Collection method: clinical testing. Allele origin: germline.
Comment: This sequence change replaces alanine, which is neutral and non-polar, with valine, which is neutral and non-polar, at codon 270 of the ITGB2 protein (p.Ala270Val). This variant is present in population databases (rs147318988, gnomAD 0.008%). This missense change has been observed in individual(s) with leukocyte adhesion deficiency type 1 (PMID: 11703376, 22134107, 25703682, 29548898, 33391282). ClinVar contains an entry for this variant (Variation ID: 999697). Invitae Evidence Modeling of protein sequence and biophysical properties (such as structural, functional, and spatial information, amino acid conservation, physicochemical variation, residue mobility, and thermodynamic stability) has been performed for this missense variant. However, the output from this modeling did not meet the statistical confidence thresholds required to predict the impact of this variant on ITGB2 protein function. Experimental studies have shown that this missense change affects ITGB2 function (PMID: 11703376). In summary, the currently available evidence indicates that the variant is pathogenic, but additional data are needed to prove that conclusively. Therefore, this variant has been classified as Likely Pathogenic.

GeneDx
Classification: Likely pathogenic. Last evaluated: 2023-09-12. Review status: criteria provided, single submitter. Criteria: GeneDx Variant Classification Process June 2021. Collection method: clinical testing. Allele origin: germline. Affected: yes.
Comment: Published functional studies demonstrate a damaging effect on the expression of heterodimers and adhesion of heterodimers to the ligand (Shaw et al., 2001); In silico analysis supports that this missense variant has a deleterious effect on protein structure/function; This variant is associated with the following publications: (PMID: 11703376, 25514840, 11212883, 25703682, 33391282, 29548898, 22134107)

Literature cited by the submitters: PubMed 11703376 (cited by Labcorp Genetics (formerly Invitae), Labcorp); PubMed 22134107 (cited by Labcorp Genetics (formerly Invitae), Labcorp); PubMed 25703682 (cited by Labcorp Genetics (formerly Invitae), Labcorp); PubMed 29548898 (cited by Labcorp Genetics (formerly Invitae), Labcorp); PubMed 33391282 (cited by Labcorp Genetics (formerly Invitae), Labcorp).

NM_000211.5(ITGB2):c.809C>T (p.Ala270Val)

Gene: ITGB2 (integrin subunit beta 2; minus strand). Cytogenetic location: 21q22.3.
Variant type: single nucleotide variant.
Coding change: c.809C>T on transcript NM_000211.5 (MANE Select); coding-DNA position 809, C replaced by T.
Protein change: p.Ala270Val; replaces alanine 270 with valine.
Molecular consequence: missense variant.
Genome position (GRCh38, 1-based): chr21:44,900,408, G>A on the plus strand (C>T on the coding strand, the complement: ITGB2 is on the minus strand). VCF-style: chr21-44900408-G-A. GRCh37 (hg19) VCF-style: chr21-46320323-G-A.
Other names: c.809C>T, p.Ala270Val (NM_001127491.3); c.602C>T, p.Ala201Val (NM_001303238.2); c.809C>T (NM_000211.3); short protein forms A201V, A270V.
Identifiers: ClinVar variation 999697 (VCV000999697.10), dbSNP rs147318988, ClinGen allele CA10063056.